The following is an entry in ClinVar:

ClinVar aggregate classification (germline): Uncertain significance (1 of 4 stars; one submission).

Submission:

Mayo Clinic Laboratories, Mayo Clinic
Classification: Uncertain significance. Last evaluated: 2024-04-11. Review status: criteria provided, single submitter. Criteria: ACMG Guidelines, 2015. Collection method: clinical testing. Allele origin: germline. Observed: 1 variant allele.
Comment: BP4_strong, PM2

NM_020778.5(ALPK3):c.967T>C (p.Ser323Pro)

Gene: ALPK3 (alpha kinase 3; plus strand). Cytogenetic location: 15q25.3.
Variant type: single nucleotide variant.
Coding change: c.967T>C on transcript NM_020778.5 (MANE Select); coding-DNA position 967, T replaced by C.
Protein change: p.Ser323Pro; replaces serine 323 with proline.
Molecular consequence: missense variant.
Genome position (GRCh38, 1-based): chr15:84,840,246, T>C. VCF-style: chr15-84840246-T-C. GRCh37 (hg19) VCF-style: chr15-85383477-T-C.
Other names: p.Ser525Pro; short protein forms S323P.
Identifiers: ClinVar variation 3380312 (VCV003380312.1).
Genomic context (GRCh38, chr15:84,840,246, plus strand): 5'-GGGCCTCAGAGAGCCCTCAAAGAGGAGAGTGGGGCCAAGAAGAAAAAGAAAGATGAGGAA[T>C]CCAAGCAAGGCCTGCGGAAGCCAGAGTTAGAGAAGGCAGCCCAAAGCCGCCGTTCTTCAG-3'
Protein context (NP_065829.4, residues 313-333): GAKKKKKDEE[Ser323Pro]KQGLRKPELE